The following is an entry in ClinVar:

ClinVar aggregate classification (germline): Conflicting classifications of pathogenicity. Review status: criteria provided, conflicting classifications (1 of 4 stars). 4 submissions from 4 submitters: Uncertain significance (3); Likely benign (1). Last evaluated 2025-04-11.

Conditions:
Ataxia-pancytopenia syndrome (ATXPC). Also called: SAMD9L-Related Syndrome; SAMD9L Ataxia-Pancytopenia Syndrome. Identifiers: Orphanet 2585, MedGen C1327919, MONDO:0008038, OMIM 159550.
Inborn genetic diseases. Identifiers: MedGen C0950123, MeSH D030342.

Allele frequency attached by ClinVar (database versions not stated): TOPMed 0.00004; gnomAD exomes 0.00005 and 0.00006; ExAC 0.00006; gnomAD 0.00003 and 0.00004.

Submissions (4):

Labcorp Genetics (formerly Invitae), Labcorp
Classification: Uncertain significance. Last evaluated: 2025-04-11. Review status: criteria provided, single submitter. Criteria: Invitae Variant Classification Sherloc (09022015). Collection method: clinical testing. Allele origin: germline.
Comment: This sequence change replaces lysine, which is basic and polar, with asparagine, which is neutral and polar, at codon 130 of the SAMD9L protein (p.Lys130Asn). This variant is present in population databases (rs773313289, gnomAD 0.05%), and has an allele count higher than expected for a pathogenic variant. This variant has not been reported in the literature in individuals affected with SAMD9L-related conditions. ClinVar contains an entry for this variant (Variation ID: 1398495). An algorithm developed to predict the effect of missense changes on protein structure and function (PolyPhen-2) suggests that this variant is likely to be tolerated. In summary, the available evidence is currently insufficient to determine the role of this variant in disease. Therefore, it has been classified as a Variant of Uncertain Significance.

Ambry Genetics
Classification: Likely benign for Inborn genetic diseases. Last evaluated: 2024-11-25. Review status: criteria provided, single submitter. Criteria: Ambry Variant Classification Scheme 2023. Collection method: clinical testing. Allele origin: germline.

GeneDx
Classification: Uncertain significance. Last evaluated: 2024-06-17. Review status: criteria provided, single submitter. Criteria: GeneDx Variant Classification Process June 2021. Collection method: clinical testing. Allele origin: germline. Affected: yes.
Comment: In silico analysis indicates that this missense variant does not alter protein structure/function; Has not been previously published as pathogenic or benign to our knowledge

St. Jude Molecular Pathology, St. Jude Children's Research Hospital
Classification: Uncertain significance for Ataxia-pancytopenia syndrome. Last evaluated: 2024-01-04. Review status: criteria provided, single submitter. Criteria: St. Jude Assertion Criteria 2020. Collection method: clinical testing. Allele origin: germline.
Comment: The SAMD9L c.390A>C (p.Lys130Asn) missense change has a maximum founder subpopulation frequency of 0.04% and a maximum non-founder subpopulation frequency of 0.01% in gnomAD v2.1.1. The in silico tool REVEL predicts a benign effect on protein function, but to our knowledge this prediction has not been confirmed by functional studies. In silico predictions have not been found to correlate with syndromic risk and are not considered supporting evidence of a pathogenic or benign effect (PMID: 34621053). To our knowledge, this variant has not been reported in individuals with SAMD9L-related disease. In summary, the evidence currently available is insufficient to determine the clinical significance of this variant. It has therefore been classified as of uncertain significance.

NM_152703.5(SAMD9L):c.390A>C (p.Lys130Asn)

Gene: SAMD9L (sterile alpha motif domain containing 9 like; minus strand). Cytogenetic location: 7q21.2.
Variant type: single nucleotide variant.
Coding change: c.390A>C on transcript NM_152703.5 (MANE Select); coding-DNA position 390, A replaced by C.
Protein change: p.Lys130Asn; replaces lysine 130 with asparagine.
Molecular consequence: missense variant.
Genome position (GRCh38, 1-based): chr7:93,135,582, T>G on the plus strand (A>C on the coding strand, the complement: SAMD9L is on the minus strand). VCF-style: chr7-93135582-T-G. GRCh37 (hg19) VCF-style: chr7-92764895-T-G.
Other names: c.390A>C (NM_152703.3, NM_152703.2); c.390A>C, p.Lys130Asn (NM_001303496.3, NM_001303497.3, NM_001303498.3 and 5 more transcripts); short protein forms K130N.
Identifiers: ClinVar variation 1398495 (VCV001398495.11), dbSNP rs773313289, ClinGen allele CA4343878.